The following is an entry in ClinVar:

ClinVar aggregate classification (germline): Benign/Likely benign. Review status: criteria provided, multiple submitters, no conflicts (2 of 4 stars). 3 submissions from 3 submitters: Benign (1); Likely benign (2). Last evaluated 2025-03-15.

Conditions:
Familial cancer of breast. Also called: Hereditary breast cancer; BREAST CANCER, FAMILIAL; hereditary breast carcinoma. Identifiers: Orphanet 227535, MedGen C0346153, MONDO:0016419, OMIM 114480. Disease mechanism: loss of function.

Submissions (3):

Labcorp Genetics (formerly Invitae), Labcorp
Classification: Likely benign for Familial cancer of breast. Last evaluated: 2025-03-15. Review status: criteria provided, single submitter. Criteria: Invitae Variant Classification Sherloc (09022015). Collection method: clinical testing. Allele origin: germline.

Myriad Genetics, Inc.
Classification: Benign for Familial cancer of breast. Last evaluated: 2025-01-10. Review status: criteria provided, single submitter. Criteria: Myriad Autosomal Dominant, Autosomal Recessive and X-Linked Classification Criteria (2023). Collection method: clinical testing. Allele origin: unknown.
Comment: This variant is considered benign. This variant is a silent/synonymous amino acid change and it is not expected to impact splicing.

Quest Diagnostics Nichols Institute San Juan Capistrano
Classification: Likely benign. Last evaluated: 2024-12-27. Review status: criteria provided, single submitter. Criteria: Quest Diagnostics criteria. Collection method: clinical testing. Allele origin: unknown.

NM_024675.4(PALB2):c.444G>A (p.Lys148=)

Gene: PALB2 (partner and localizer of BRCA2; minus strand). Cytogenetic location: 16p12.2.
Variant type: single nucleotide variant.
Coding change: c.444G>A on transcript NM_024675.4 (MANE Select); coding-DNA position 444, G replaced by A.
Protein change: p.Lys148=; no amino-acid change (lysine 148 retained).
Molecular consequence: synonymous variant.
Genome position (GRCh38, 1-based): chr16:23,636,102, C>T on the plus strand (G>A on the coding strand, the complement: PALB2 is on the minus strand). VCF-style: chr16-23636102-C-T. GRCh37 (hg19) VCF-style: chr16-23647423-C-T.
Identifiers: ClinVar variation 761582 (VCV000761582.11), dbSNP rs1060502782, ClinGen allele CA494462160.